The following is an entry in ClinVar:

ClinVar aggregate classification (germline): Uncertain significance. Review status: criteria provided, multiple submitters, no conflicts (2 of 4 stars). 2 submissions from 2 submitters: Uncertain significance (2). Last evaluated 2022-08-17.

Conditions:
T-cell immunodeficiency, congenital alopecia, and nail dystrophy. Also called: Congenital alopecia and nail dystrophy associated with severe functional T-cell immunodeficiency; Pignata Guarino syndrome. Identifiers: Orphanet 169095, MedGen C1866426, MONDO:0011132, OMIM 601705.

Submissions (2):

Labcorp Genetics (formerly Invitae), Labcorp
Classification: Uncertain significance for T-cell immunodeficiency, congenital alopecia, and nail dystrophy. Last evaluated: 2022-08-17. Review status: criteria provided, single submitter. Criteria: Invitae Variant Classification Sherloc (09022015). Collection method: clinical testing. Allele origin: germline.
Comment: In summary, the available evidence is currently insufficient to determine the role of this variant in disease. Therefore, it has been classified as a Variant of Uncertain Significance. Algorithms developed to predict the effect of missense changes on protein structure and function are either unavailable or do not agree on the potential impact of this missense change (SIFT: "Deleterious"; PolyPhen-2: "Probably Damaging"; Align-GVGD: "Class C15"). This variant has not been reported in the literature in individuals affected with FOXN1-related conditions. This variant is not present in population databases (gnomAD no frequency). This sequence change replaces leucine, which is neutral and non-polar, with phenylalanine, which is neutral and non-polar, at codon 325 of the FOXN1 protein (p.Leu325Phe).

Blueprint Genetics
Classification: Uncertain significance. Last evaluated: 2020-11-12. Review status: criteria provided, single submitter. Criteria: ACMG Guidelines, 2015. Collection method: clinical testing. Allele origin: germline.

NM_001369369.1(FOXN1):c.973C>T (p.Leu325Phe)

Gene: FOXN1 (forkhead box N1; plus strand). Cytogenetic location: 17q11.2.
Variant type: single nucleotide variant.
Coding change: c.973C>T on transcript NM_001369369.1 (MANE Select); coding-DNA position 973, C replaced by T.
Protein change: p.Leu325Phe; replaces leucine 325 with phenylalanine.
Molecular consequence: missense variant.
Genome position (GRCh38, 1-based): chr17:28,534,376, C>T. VCF-style: chr17-28534376-C-T. GRCh37 (hg19) VCF-style: chr17-26861394-C-T.
Other names: c.973C>T, p.Leu325Phe (NM_003593.3); short protein forms L325F.
Identifiers: ClinVar variation 2016832 (VCV002016832.5), dbSNP rs2508422937, ClinGen allele CA398324514.
Genomic context (GRCh38, chr17:28,534,376, plus strand): 5'-GCTCTGTTCCGGCAGACAGCACCCGATGGCTGGAAGAATTCTGTCCGGCACAACCTATCC[C>T]TCAACAAGTGCTTCGAGAAGGTGGAGAACAAATCAGGAAGTTCCTCCCGCAAGGGCTGCC-3'
Protein context (NP_001356298.1, residues 315-335): WKNSVRHNLS[Leu325Phe]NKCFEKVENK